The following is an entry in ClinVar:

ClinVar aggregate classification (germline): Uncertain significance. Review status: criteria provided, multiple submitters, no conflicts (2 of 4 stars). 6 submissions from 6 submitters: Uncertain significance (6). Last evaluated 2026-04-28.

Conditions:
ZNF469-related disorder. Also called: ZNF469-related condition.
Cardiovascular phenotype. Identifiers: MedGen CN230736.

Allele frequency attached by ClinVar (database versions not stated): gnomAD exomes 0.00005 and 0.00014; gnomAD 0.00007 and 0.00009; TOPMed 0.00010.
gnomAD v4.1: 212 of 1,550,180 alleles (0.014%); highest among the groups gnomAD compares: Non-Finnish European, 0.016%; no homozygotes.

Submissions (6):

PreventionGenetics, part of Exact Sciences
Classification: Uncertain significance for ZNF469-related condition. Last evaluated: 2026-04-28. Review status: criteria provided, single submitter. Criteria: ACMG Guidelines, 2015. Collection method: clinical testing. Allele origin: germline.
Comment: The ZNF469 c.8464C>T variant is predicted to result in the amino acid substitution p.Pro2822Ser. To our knowledge, this variant has not been reported in the literature. This variant is reported in 0.012% of alleles in individuals of African descent in gnomAD. At this time, the clinical significance of this variant is uncertain due to the absence of conclusive functional and genetic evidence.

GeneDx
Classification: Uncertain significance. Last evaluated: 2026-02-25. Review status: criteria provided, single submitter. Criteria: GeneDx Variant Classification Process June 2021. Collection method: clinical testing. Allele origin: germline.
Comment: Has not been previously published as pathogenic or benign to our knowledge; Not observed at significant frequency in large population cohorts (gnomAD); In silico analysis suggests that this missense variant does not alter protein structure/function

Women's Health and Genetics/Laboratory Corporation of America, LabCorp
Classification: Uncertain significance. Last evaluated: 2026-01-12. Review status: criteria provided, single submitter. Criteria: LabCorp Variant Classification Summary - May 2015. Collection method: clinical testing. Allele origin: germline.
Comment: Variant summary: ZNF469 c.8548C>T (p.Pro2850Ser) results in a non-conservative amino acid change in the encoded protein sequence. Algorithms developed to predict the effect of missense changes on protein structure and function are either unavailable or do not agree on the potential impact of this missense change. The variant allele was found at a frequency of 4.6e-05 in 152732 control chromosomes. The available data on variant occurrences in the general population are insufficient to allow any conclusion about variant significance. To our knowledge, no occurrence of c.8548C>T in individuals affected with ZNF469-related conditions and no experimental evidence demonstrating its impact on protein function have been reported. ClinVar contains an entry for this variant (Variation ID: 1493732). Based on the evidence outlined above, the variant was classified as uncertain significance.

Ambry Genetics
Classification: Uncertain significance for Cardiovascular phenotype. Last evaluated: 2024-03-04. Review status: criteria provided, single submitter. Criteria: Ambry Variant Classification Scheme 2023. Collection method: clinical testing. Allele origin: germline.
Comment: The p.P2822S variant (also known as c.8464C>T), located in coding exon 2 of the ZNF469 gene, results from a C to T substitution at nucleotide position 8464. The proline at codon 2822 is replaced by serine, an amino acid with similar properties. This amino acid position is conserved. In addition, this alteration is predicted to be tolerated by in silico analysis. Since supporting evidence is limited at this time, the clinical significance of this alteration remains unclear.

Mayo Clinic Laboratories, Mayo Clinic
Classification: Uncertain significance. Last evaluated: 2023-05-23. Review status: criteria provided, single submitter. Criteria: ACMG Guidelines, 2015. Collection method: clinical testing. Allele origin: germline. Observed: 1 variant allele.
Comment: BP4

Labcorp Genetics (formerly Invitae), Labcorp
Classification: Uncertain significance. Last evaluated: 2022-04-10. Review status: criteria provided, single submitter. Criteria: Invitae Variant Classification Sherloc (09022015). Collection method: clinical testing. Allele origin: germline.
Comment: This sequence change replaces proline, which is neutral and non-polar, with serine, which is neutral and polar, at codon 2822 of the ZNF469 protein (p.Pro2822Ser). This variant is present in population databases (no rsID available, gnomAD 0.01%). This variant has not been reported in the literature in individuals affected with ZNF469-related conditions. Algorithms developed to predict the effect of missense changes on protein structure and function (SIFT, PolyPhen-2, Align-GVGD) all suggest that this variant is likely to be tolerated. In summary, the available evidence is currently insufficient to determine the role of this variant in disease. Therefore, it has been classified as a Variant of Uncertain Significance.

NM_001367624.2(ZNF469):c.8548C>T (p.Pro2850Ser)

Gene: ZNF469 (zinc finger protein 469; plus strand). Cytogenetic location: 16q24.2.
Variant type: single nucleotide variant.
Coding change: c.8548C>T on transcript NM_001367624.2 (MANE Select); coding-DNA position 8548, C replaced by T.
Protein change: p.Pro2850Ser; replaces proline 2850 with serine.
Molecular consequence: missense variant.
Genome position (GRCh38, 1-based): chr16:88,436,018, C>T. VCF-style: chr16-88436018-C-T. GRCh37 (hg19) VCF-style: chr16-88502426-C-T.
Other names: NM_001127464.1:c.8464C>T; p.Pro2850Ser; NM_001127464.2:c.8464C>T; short protein forms P2850S.
Identifiers: ClinVar variation 1493732 (VCV001493732.10), dbSNP rs906063111, ClinGen allele CA286384226.